The following is an entry in ClinVar:

ClinVar aggregate classification (germline): Uncertain significance (1 of 4 stars; one submission).

gnomAD v4.1: 1 of 1,613,418 alleles (0.000062%); highest among the groups gnomAD compares: Non-Finnish European, 0.000085%; no homozygotes.

Submission:

CeGaT Center for Human Genetics Tuebingen
Classification: Uncertain significance. Last evaluated: 2024-05-01. Review status: criteria provided, single submitter. Criteria: CeGaT Center For Human Genetics Tuebingen Variant Classification Criteria Version 2. Collection method: clinical testing. Allele origin: germline. Affected: yes. Observed: 1 variant allele.
Comment: ARHGEF10: PM2, BP4

NM_014629.4(ARHGEF10):c.3863C>T (p.Pro1288Leu)

Gene: ARHGEF10 (Rho guanine nucleotide exchange factor 10; plus strand). Cytogenetic location: 8p23.3.
Variant type: single nucleotide variant.
Coding change: c.3863C>T on transcript NM_014629.4 (MANE Select); coding-DNA position 3863, C replaced by T.
Protein change: p.Pro1288Leu; replaces proline 1288 with leucine.
Molecular consequence: missense variant.
Genome position (GRCh38, 1-based): chr8:1,957,091, C>T. VCF-style: chr8-1957091-C-T. GRCh37 (hg19) VCF-style: chr8-1905257-C-T.
Other names: c.3749C>T, p.Pro1250Leu (NM_001308152.2); c.3863C>T, p.Pro1288Leu (NM_001308153.3); short protein forms P1250L, P1288L, P1312L.
Identifiers: ClinVar variation 3239260 (VCV003239260.19), dbSNP rs1585686751.